The following is an entry in ClinVar:

ClinVar aggregate classification (germline): Pathogenic/Likely pathogenic. Review status: criteria provided, multiple submitters, no conflicts (2 of 4 stars). 2 submissions from 2 submitters: Pathogenic (1); Likely pathogenic (1). Last evaluated 2025-07-22.

Conditions:
Inborn genetic diseases. Identifiers: MedGen C0950123, MeSH D030342.

Submissions (2):

Ambry Genetics
Classification: Pathogenic for Inborn genetic diseases. Last evaluated: 2025-07-22. Review status: criteria provided, single submitter. Criteria: Ambry Variant Classification Scheme 2023. Collection method: clinical testing. Allele origin: germline.
Comment: The c.1071_1170+24del124 variant, spanning the exon-intron boundary of exon 11 through intron 11 of the DDX3X gene, results from a deletion of 124 nucleotides from position 1071 to 1170+24, causing a deletion of the native splice donor site. Alterations that disrupt the canonical splice site are expected to cause aberrant splicing, resulting in an abnormal protein or a transcript that is subject to nonsense-mediated mRNA decay. This variant was not reported in population-based cohorts in the Genome Aggregation Database (gnomAD). Another variant impacting the same donor site (c.1170+1G>T) has been identified in individual(s) with features consistent with DDX3X-related neurodevelopmental disorder (Basel-Salmon, 2021). Based on the available evidence, this alteration is classified as pathogenic.

Labcorp Genetics (formerly Invitae), Labcorp
Classification: Likely pathogenic. Last evaluated: 2019-04-16. Review status: criteria provided, single submitter. Criteria: Invitae Variant Classification Sherloc (09022015). Collection method: clinical testing. Allele origin: germline.
Comment: This variant is not present in population databases (ExAC no frequency). In summary, the currently available evidence indicates that the variant is pathogenic, but additional data are needed to prove that conclusively. Therefore, this variant has been classified as Likely Pathogenic. Loss-of-function variants in DDX3X are known to be pathogenic (PMID: 26235985). This variant has not been reported in the literature in individuals with DDX3X-related conditions. This variant is a deletion of the genomic region encompassing part of exon 11 (c.1071_1170+24del) of the DDX3X gene. It is expected to disrupt RNA splicing and likely results in an absent or disrupted protein product.

Literature cited by the submitters: PubMed 32801363 (cited by Ambry Genetics); PubMed 26235985 (cited by Labcorp Genetics (formerly Invitae), Labcorp).

NM_001356.5(DDX3X):c.1071_1170+24del

Gene: DDX3X (DEAD-box helicase 3 X-linked; plus strand). Cytogenetic location: Xp11.4.
Variant type: Deletion.
Coding change: c.1071_1170+24del on transcript NM_001356.5 (MANE Select); coding-DNA position 1071 through 24 bases into the intron after coding-DNA position 1170, 124 bases deleted.
Molecular consequence: splice donor variant.
Genome position (GRCh38, 1-based): chrX:41,345,225-41,345,348, 124 bases deleted. GRCh37 (hg19): chrX:41,204,478-41,204,601.
Other names: c.1071_1170+24del (NM_001193416.3); c.1023_1122+24del (NM_001193417.3); c.513_612+24del (NM_001363819.1).
Identifiers: ClinVar variation 840183 (VCV000840183.11), dbSNP rs2063908023, ClinGen allele CA916083931.